The following is an entry in ClinVar:

NM_001903.5(CTNNA1):c.252G>T (p.Gln84His)

Gene: CTNNA1 (catenin alpha 1; plus strand). Cytogenetic location: 5q31.2.
Variant type: single nucleotide variant.
Coding change: c.252G>T on transcript NM_001903.5 (MANE Select); coding-DNA position 252, G replaced by T.
Protein change: p.Gln84His; replaces glutamine 84 with histidine.
Molecular consequence: missense variant. On other transcripts: intron variant (2).
Genome position (GRCh38, 1-based): chr5:138,783,323, G>T. VCF-style: chr5-138783323-G-T. GRCh37 (hg19) VCF-style: chr5-138119012-G-T.
Other names: c.252G>T, p.Gln84His (NM_001290307.3, NM_001323982.2, NM_001323983.1 and 3 more transcripts); c.-6+51G>T (NM_001290310.3); c.-9+1294G>T (NM_001290309.3); short protein forms Q84H.
Identifiers: ClinVar variation 3498277 (VCV003498277.1).

ClinVar aggregate classification (germline): Uncertain significance (1 of 4 stars; one submission).

Conditions:
Hereditary cancer-predisposing syndrome. Also called: Tumor predisposition; Neoplastic Syndromes, Hereditary; Hereditary Cancer Syndrome; Hereditary neoplastic syndrome. Identifiers: Orphanet 140162, MedGen C0027672, MeSH D009386, MONDO:0015356.

Submission:

Ambry Genetics
Classification: Uncertain significance for Hereditary cancer-predisposing syndrome. Last evaluated: 2024-11-30. Review status: criteria provided, single submitter. Criteria: Ambry Variant Classification Scheme 2023. Collection method: clinical testing. Allele origin: germline.
Comment: The p.Q84H variant (also known as c.252G>T), located in coding exon 2 of the CTNNA1 gene, results from a G to T substitution at nucleotide position 252. The glutamine at codon 84 is replaced by histidine, an amino acid with highly similar properties. This amino acid position is conserved. In addition, this alteration is predicted to be tolerated by in silico analysis. Based on the available evidence, the clinical significance of this variant remains unclear.